The following is an entry in ClinVar:

NM_000059.4(BRCA2):c.7008-2054A>G

Gene: BRCA2 (BRCA2 DNA repair associated; plus strand). Cytogenetic location: 13q13.1.
Variant type: single nucleotide variant.
Coding change: c.7008-2054A>G on transcript NM_000059.4 (MANE Select); 2054 bases into the intron before coding-DNA position 7008, A replaced by G.
Molecular consequence: intron variant.
Genome position (GRCh38, 1-based): chr13:32,352,807, A>G. VCF-style: chr13-32352807-A-G. GRCh37 (hg19) VCF-style: chr13-32926944-A-G.
Other names: IVS 13-2054A>G.
Identifiers: ClinVar variation 209746 (VCV000209746.1), dbSNP rs721185, ClinGen allele CA276714.

ClinVar aggregate classification (germline): Benign (3 of 4 stars; one submission).

Conditions:
Breast-ovarian cancer, familial, susceptibility to, 2 (BROVCA2). Also called: BRCA2 Hereditary Breast and Ovarian Cancer. Identifiers: Orphanet 145, MedGen C2675520, MONDO:0012933, OMIM 612555. Disease mechanism: loss of function.

Allele frequency attached by ClinVar (database versions not stated): gnomAD 0.04308 and 0.04652; 1000 Genomes Project 30x 0.07948; TOPMed 0.04840; 1000 Genomes Project 0.07907.
gnomAD v4.1: 7,077 of 152,298 alleles (4.6%); highest among the groups gnomAD compares: South Asian, 11%; 241 homozygotes.

Submission:

Evidence-based Network for the Interpretation of Germline Mutant Alleles (ENIGMA)
Classification: Benign for Breast-ovarian cancer, familial 2. Last evaluated: 2015-01-12. Review status: reviewed by expert panel. Criteria: ENIGMA BRCA1/2 Classification Criteria (2015). Collection method: curation. Allele origin: germline.
Comment: Class 1 not pathogenic based on frequency >1% in an outbred sampleset. Frequency 0.1031 (Asian), 0.03049 (African), 0.03694 (European), derived from 1000 genomes (2012-04-30).